The following is an entry in ClinVar:

NM_000183.3(HADHB):c.839G>A (p.Gly280Asp)

Gene: HADHB (hydroxyacyl-CoA dehydrogenase trifunctional multienzyme complex subunit beta; plus strand). Cytogenetic location: 2p23.3.
Variant type: single nucleotide variant.
Coding change: c.839G>A on transcript NM_000183.3 (MANE Select); coding-DNA position 839, G replaced by A.
Protein change: p.Gly280Asp; replaces glycine 280 with aspartic acid.
Molecular consequence: missense variant.
Genome position (GRCh38, 1-based): chr2:26,280,021, G>A. VCF-style: chr2-26280021-G-A. GRCh37 (hg19) VCF-style: chr2-26502889-G-A.
Other names: c.794G>A, p.Gly265Asp (NM_001281512.2); c.773G>A, p.Gly258Asp (NM_001281513.2); short protein forms G258D, G265D, G280D.
Identifiers: ClinVar variation 3907097 (VCV003907097.2).
Genomic context (GRCh38, chr2:26,280,021, plus strand): 5'-CCATAGAGTTAAAAAAATTCATTTTTTTAATAGGAAAAGATACAGTTACCAAAGATAATG[G>A]CATCCGTCCTTCCTCACTGGAGCAGATGGCCAAACTAAAACCTGCATTCATCAAGCCCTA-3'
Protein context (NP_000174.1, residues 270-290): PGKDTVTKDN[Gly280Asp]IRPSSLEQMA

ClinVar aggregate classification (germline): Uncertain significance. Review status: criteria provided, multiple submitters, no conflicts (2 of 4 stars). 2 submissions from 2 submitters: Uncertain significance (2). Last evaluated 2025-06-16.

gnomAD v4.1: 5 of 1,609,236 alleles (0.00031%); highest among the groups gnomAD compares: African/African-American, 0.004%; no homozygotes.

Submissions (2):

Women's Health and Genetics/Laboratory Corporation of America, LabCorp
Classification: Uncertain significance. Last evaluated: 2025-06-16. Review status: criteria provided, single submitter. Criteria: LabCorp Variant Classification Summary - May 2015. Collection method: clinical testing. Allele origin: germline.
Comment: Variant summary: HADHB c.839G>A (p.Gly280Asp) results in a non-conservative amino acid change in the encoded protein sequence. Algorithms developed to predict the effect of missense changes on protein structure and function all suggest that this variant is likely to be disruptive. The variant allele was found at a frequency of 4e-06 in 251386 control chromosomes (gnomAD). The available data on variant occurrences in the general population are insufficient to allow any conclusion about variant significance. c.839G>A has been observed in an individual affected with Mitochondrial Trifunctional Protein Deficiency (Spiekerkoetter_2003). These data do not allow any conclusion about variant significance. To our knowledge, no experimental evidence demonstrating an impact on protein function has been reported. The following publication has been ascertained in the context of this evaluation (PMID: 12754706). No submitters have cited clinical-significance assessments for this variant to ClinVar. Based on the evidence outlined above, the variant was classified as uncertain significance.

Blueprint Genetics
Classification: Uncertain significance. Last evaluated: 2023-06-06. Review status: criteria provided, single submitter. Criteria: ACMG Guidelines, 2015. Collection method: clinical testing. Allele origin: germline.

Literature cited by the submitters: PubMed 12754706 (cited by Women's Health and Genetics/Laboratory Corporation of America, LabCorp).